The following is an entry in ClinVar:

ClinVar aggregate classification (germline): Conflicting classifications of pathogenicity. Review status: criteria provided, conflicting classifications (1 of 4 stars). 2 submissions from 2 submitters: Uncertain significance (1); Likely benign (1). Last evaluated 2025-07-22.

Conditions:
Gastrointestinal stromal tumor. Also called: Gastrointestinal stromal tumor, somatic; Gastrointestinal stroma tumor. Identifiers: Orphanet 44890, MedGen C0238198, MeSH D046152, MONDO:0011719, OMIM 606764, HP:0100723.
Hereditary cancer-predisposing syndrome. Also called: Tumor predisposition; Neoplastic Syndromes, Hereditary; Hereditary neoplastic syndrome; Hereditary Cancer Syndrome. Identifiers: Orphanet 140162, MedGen C0027672, MeSH D009386, MONDO:0015356.

Allele frequency attached by ClinVar (database versions not stated): gnomAD exomes below 0.00001; TOPMed below 0.00001; ExAC 0.00001; gnomAD 0.00002.
gnomAD v4.1: 4 of 1,613,894 alleles (0.00025%); highest among the groups gnomAD compares: African/African-American, 0.0053%; no homozygotes.

Submissions (2):

Ambry Genetics
Classification: Likely benign for Hereditary cancer-predisposing syndrome. Last evaluated: 2025-07-22. Review status: criteria provided, single submitter. Criteria: Ambry Variant Classification Scheme 2023. Collection method: clinical testing. Allele origin: germline.

Labcorp Genetics (formerly Invitae), Labcorp
Classification: Uncertain significance for Gastrointestinal stromal tumor. Last evaluated: 2025-03-31. Review status: criteria provided, single submitter. Criteria: Invitae Variant Classification Sherloc (09022015). Collection method: clinical testing. Allele origin: germline.
Comment: This sequence change replaces serine, which is neutral and polar, with phenylalanine, which is neutral and non-polar, at codon 171 of the PDGFRA protein (p.Ser171Phe). This variant is present in population databases (rs758027394, gnomAD 0.01%). This variant has not been reported in the literature in individuals affected with PDGFRA-related conditions. ClinVar contains an entry for this variant (Variation ID: 1061424). Invitae Evidence Modeling of protein sequence and biophysical properties (such as structural, functional, and spatial information, amino acid conservation, physicochemical variation, residue mobility, and thermodynamic stability) indicates that this missense variant is not expected to disrupt PDGFRA protein function with a negative predictive value of 80%. In summary, the available evidence is currently insufficient to determine the role of this variant in disease. Therefore, it has been classified as a Variant of Uncertain Significance.

NM_006206.6(PDGFRA):c.512C>T (p.Ser171Phe)

Gene: PDGFRA (platelet derived growth factor receptor alpha; plus strand). Cytogenetic location: 4q12.
Variant type: single nucleotide variant.
Coding change: c.512C>T on transcript NM_006206.6 (MANE Select); coding-DNA position 512, C replaced by T.
Protein change: p.Ser171Phe; replaces serine 171 with phenylalanine.
Molecular consequence: missense variant.
Genome position (GRCh38, 1-based): chr4:54,263,811, C>T. VCF-style: chr4-54263811-C-T. GRCh37 (hg19) VCF-style: chr4-55129978-C-T.
Other names: c.512C>T, p.Ser171Phe (NM_001347827.2, NM_001347829.2); c.587C>T, p.Ser196Phe (NM_001347828.2); c.551C>T, p.Ser184Phe (NM_001347830.2); short protein forms S171F, S184F, S196F.
Identifiers: ClinVar variation 1061424 (VCV001061424.12), dbSNP rs758027394, ClinGen allele CA2922304.